The following is an entry in ClinVar:

ClinVar aggregate classification (germline): Conflicting classifications of pathogenicity. Review status: criteria provided, conflicting classifications (1 of 4 stars). 5 submissions from 5 submitters: Uncertain significance (1); Benign (3); Likely benign (1). Last evaluated 2026-01-31.

Conditions:
Autosomal recessive nonsyndromic hearing loss 3. Also called: NEUROSENSORY NONSYNDROMIC RECESSIVE DEAFNESS 3. Identifiers: Orphanet 90636, MedGen C1838263, MONDO:0010860, OMIM 600316.

Allele frequency attached by ClinVar (database versions not stated): ExAC 0.00218; gnomAD 0.00780 and 0.00838; 1000 Genomes Project 0.00819; TOPMed 0.00886; ESP Exome Variant Server 0.00910; 1000 Genomes Project 30x 0.00953.
gnomAD v4.1: 2,458 of 1,613,834 alleles (0.15%); highest among the groups gnomAD compares: African/African-American, 2.9%; 42 homozygotes.

Submissions (5):

Labcorp Genetics (formerly Invitae), Labcorp
Classification: Benign. Last evaluated: 2026-01-31. Review status: criteria provided, single submitter. Criteria: Invitae Variant Classification Sherloc (09022015). Collection method: clinical testing. Allele origin: germline.

GeneDx
Classification: Likely benign. Last evaluated: 2018-07-31. Review status: criteria provided, single submitter. Criteria: GeneDx Variant Classification Process June 2021. Collection method: clinical testing. Allele origin: germline. Affected: yes.

Illumina Laboratory Services, Illumina
Classification: Uncertain significance for Autosomal recessive nonsyndromic hearing loss 3. Last evaluated: 2018-01-13. Review status: criteria provided, single submitter. Criteria: ICSL Variant Classification Criteria 13 December 2019. Collection method: clinical testing. Allele origin: germline.

Laboratory for Molecular Medicine, Mass General Brigham Personalized Medicine
Classification: Benign. Last evaluated: 2012-04-30. Review status: criteria provided, single submitter. Criteria: LMM Criteria. Collection method: clinical testing. Allele origin: germline. Observed: 15 variant alleles.
Comment: 4206+13C>G in Intron 10 of MYO15A: This variant is not expected to have clinical significance because it is not located within the conserved splice consensus se quence and has been identified in 2.6% (81/3092) of African American chromosomes from a broad population by the NHLBI Exome Sequencing Project (dbSNP rs141183007).

PreventionGenetics, part of Exact Sciences
Classification: Benign. Review status: criteria provided, single submitter. Criteria: ACMG Guidelines, 2015. Collection method: clinical testing. Allele origin: germline.

NM_016239.4(MYO15A):c.4206+13C>G

Gene: MYO15A (myosin XVA; plus strand). Cytogenetic location: 17p11.2.
Variant type: single nucleotide variant.
Coding change: c.4206+13C>G on transcript NM_016239.4 (MANE Select); 13 bases into the intron after coding-DNA position 4206, C replaced by G.
Molecular consequence: intron variant.
Genome position (GRCh38, 1-based): chr17:18,131,544, C>G. VCF-style: chr17-18131544-C-G. GRCh37 (hg19) VCF-style: chr17-18034858-C-G.
Identifiers: ClinVar variation 45746 (VCV000045746.20), dbSNP rs141183007, ClinGen allele CA136990.